The following is an entry in ClinVar:

ClinVar aggregate classification (germline): Likely benign (1 of 4 stars; one submission).

gnomAD v4.1: 3 of 1,536,700 alleles (0.0002%); highest among the groups gnomAD compares: East Asian, 0.0025%; no homozygotes.

Submission:

GeneDx
Classification: Likely benign. Last evaluated: 2016-05-16. Review status: criteria provided, single submitter. Criteria: GeneDx Variant Classification (06012015). Collection method: clinical testing. Allele origin: germline. Affected: yes.
Comment: This variant is considered likely benign or benign based on one or more of the following criteria: it is a conservative change, it occurs at a poorly conserved position in the protein, it is predicted to be benign by multiple in silico algorithms, and/or has population frequency not consistent with disease.

NM_000551.4(VHL):c.-13G>T

Gene: VHL (von Hippel-Lindau tumor suppressor; plus strand). Cytogenetic location: 3p25.3.
Variant type: single nucleotide variant.
Coding change: c.-13G>T on transcript NM_000551.4 (MANE Select); 13 bases upstream of the start codon, G replaced by T.
Molecular consequence: 5 prime UTR variant.
Genome position (GRCh38, 1-based): chr3:10,141,835, G>T. VCF-style: chr3-10141835-G-T. GRCh37 (hg19) VCF-style: chr3-10183519-G-T.
Other names: c.-13G>T (NM_001354723.2, NM_198156.3).
Identifiers: ClinVar variation 386209 (VCV000386209.1), dbSNP rs1057522448, ClinGen allele CA16604424.